The following is an entry in ClinVar:

ClinVar aggregate classification (germline): Uncertain significance (1 of 4 stars; one submission).

Conditions:
Neuronal ceroid lipofuscinosis 1 (CLN1). Also called: PPT1-Related Neuronal Ceroid-Lipofuscinosis; CEROID LIPOFUSCINOSIS, NEURONAL, 1, VARIABLE AGE AT ONSET. Identifiers: Orphanet 228329, MedGen C1850451, MONDO:0009744, OMIM 256730.

Allele frequency attached by ClinVar (database versions not stated): TOPMed 0.00001.

Submission:

Labcorp Genetics (formerly Invitae), Labcorp
Classification: Uncertain significance for Neuronal ceroid lipofuscinosis 1. Last evaluated: 2022-08-22. Review status: criteria provided, single submitter. Criteria: Invitae Variant Classification Sherloc (09022015). Collection method: clinical testing. Allele origin: germline.
Comment: This sequence change replaces lysine, which is basic and polar, with threonine, which is neutral and polar, at codon 191 of the PPT1 protein (p.Lys191Thr). This variant is not present in population databases (gnomAD no frequency). This variant has not been reported in the literature in individuals affected with PPT1-related conditions. ClinVar contains an entry for this variant (Variation ID: 571523). Advanced modeling of protein sequence and biophysical properties (such as structural, functional, and spatial information, amino acid conservation, physicochemical variation, residue mobility, and thermodynamic stability) performed at Invitae indicates that this missense variant is not expected to disrupt PPT1 protein function. In summary, the available evidence is currently insufficient to determine the role of this variant in disease. Therefore, it has been classified as a Variant of Uncertain Significance.

NM_000310.4(PPT1):c.572A>C (p.Lys191Thr)

Gene: PPT1 (palmitoyl-protein thioesterase 1; minus strand). Cytogenetic location: 1p34.2.
Variant type: single nucleotide variant.
Coding change: c.572A>C on transcript NM_000310.4 (MANE Select); coding-DNA position 572, A replaced by C.
Protein change: p.Lys191Thr; replaces lysine 191 with threonine.
Molecular consequence: missense variant.
Genome position (GRCh38, 1-based): chr1:40,080,452, T>G on the plus strand (A>C on the coding strand, the complement: PPT1 is on the minus strand). VCF-style: chr1-40080452-T-G. GRCh37 (hg19) VCF-style: chr1-40546124-T-G.
Other names: c.263A>C, p.Lys88Thr (NM_001142604.2); c.572A>C, p.Lys191Thr (NM_001363695.2); short protein forms K191T, K88T.
Identifiers: ClinVar variation 571523 (VCV000571523.4), dbSNP rs1557708208, ClinGen allele CA339847789.